The following is an entry in ClinVar:

ClinVar aggregate classification (germline): Uncertain significance (1 of 4 stars; one submission).

Submission:

Labcorp Genetics (formerly Invitae), Labcorp
Classification: Uncertain significance. Last evaluated: 2024-05-23. Review status: criteria provided, single submitter. Criteria: Invitae Variant Classification Sherloc (09022015). Collection method: clinical testing. Allele origin: germline.
Comment: This sequence change replaces phenylalanine, which is neutral and non-polar, with leucine, which is neutral and non-polar, at codon 192 of the RNF31 protein (p.Phe192Leu). This variant is not present in population databases (gnomAD no frequency). This variant has not been reported in the literature in individuals affected with RNF31-related conditions. Algorithms developed to predict the effect of missense changes on protein structure and function output the following: SIFT: "Not Available"; PolyPhen-2: "Benign"; Align-GVGD: "Not Available". The leucine amino acid residue is found in multiple mammalian species, which suggests that this missense change does not adversely affect protein function. In summary, the available evidence is currently insufficient to determine the role of this variant in disease. Therefore, it has been classified as a Variant of Uncertain Significance.

NM_017999.5(RNF31):c.574T>C (p.Phe192Leu)

Gene: RNF31 (ring finger protein 31; plus strand). Cytogenetic location: 14q12.
Variant type: single nucleotide variant.
Coding change: c.574T>C on transcript NM_017999.5 (MANE Select); coding-DNA position 574, T replaced by C.
Protein change: p.Phe192Leu; replaces phenylalanine 192 with leucine.
Molecular consequence: missense variant.
Genome position (GRCh38, 1-based): chr14:24,148,819, T>C. VCF-style: chr14-24148819-T-C. GRCh37 (hg19) VCF-style: chr14-24618028-T-C.
Other names: c.121T>C, p.Phe41Leu (NM_001310332.2); short protein forms F192L, F41L.
Identifiers: ClinVar variation 3614357 (VCV003614357.2).